The following is an entry in ClinVar:

NM_022455.5(NSD1):c.6014G>A (p.Arg2005Gln)

Gene: NSD1 (nuclear receptor binding SET domain protein 1; plus strand). Cytogenetic location: 5q35.3.
Variant type: single nucleotide variant.
Coding change: c.6014G>A on transcript NM_022455.5 (MANE Select); coding-DNA position 6014, G replaced by A.
Protein change: p.Arg2005Gln; replaces arginine 2005 with glutamine.
Molecular consequence: missense variant.
Genome position (GRCh38, 1-based): chr5:177,283,791, G>A. VCF-style: chr5-177283791-G-A. GRCh37 (hg19) VCF-style: chr5-176710792-G-A.
Other names: c.5141G>A, p.Arg1714Gln (NM_001365684.2, NM_001409308.1, NM_172349.5); c.6014G>A, p.Arg2005Gln (NM_001409301.1, NM_001409302.1, NM_001409303.1); c.5594G>A, p.Arg1865Gln (NM_001409304.1); c.5261G>A, p.Arg1754Gln (NM_001409305.1); c.5252G>A, p.Arg1751Gln (NM_001409306.1, NM_001409307.1); short protein forms R2005Q, R1736Q, R1714Q, R1751Q, R1865Q, R1754Q.
Identifiers: ClinVar variation 159395 (VCV000159395.15), dbSNP rs587784174, ClinGen allele CA295024.

ClinVar aggregate classification (germline): Pathogenic/Likely pathogenic. Review status: criteria provided, multiple submitters, no conflicts (2 of 4 stars). 7 submissions from 7 submitters: Pathogenic (5); Likely pathogenic (2). Last evaluated 2026-03-02.

Conditions:
NSD1-related disorder. Also called: NSD1-related condition.
Sotos syndrome (SOTOS). Also called: Distinctive facial appearance, overgrowth in childhood, and learning disabilities or delayed development; CEREBRAL GIGANTISM; Sotos' syndrome; CHROMOSOME 5q35 DELETION SYNDROME; SOTOS SYNDROME 1. Identifiers: Orphanet 821, MedGen C0175695, MONDO:0019349, OMIM 117550.
Inborn genetic diseases. Identifiers: MedGen C0950123, MeSH D030342.
Beckwith-Wiedemann syndrome (BWS). Also called: Exomphalos macroglossia gigantism syndrome; EMG SYNDROME. Identifiers: Orphanet 116, MedGen C0004903, MONDO:0007534, OMIM 130650.

Submissions (7):

PreventionGenetics, part of Exact Sciences
Classification: Pathogenic for NSD1-related condition. Last evaluated: 2026-03-02. Review status: criteria provided, single submitter. Criteria: ACMG Guidelines, 2015. Collection method: clinical testing. Allele origin: germline.
Comment: The NSD1 c.6014G>A variant is predicted to result in the amino acid substitution p.Arg2005Gln. This variant was reported de novo in two individuals with Sotos syndrome (Table 4, Douglas et al. 2003. PubMed ID: 12464997; Table 1, Moirangthem et al. 2021. PubMed ID: 33942996). This variant occurs within the highly conserved SET domain (Douglas et al. 2003. PubMed ID: 12464997). Functional studies indicate that this variant leads to significantly decreased H3K36 histone lysine methyltransferase activity (Qiao et al. 2010. PubMed ID: 21196496). A different variant at the same amino acid residue (p.Arg2005Gly) was reported de novo in an individual with Sotos syndrome (Table 1, Choufani et al. 2015. PubMed ID: 26690673). This variant has not been reported in a large population database (gnomAD), indicating this variant is rare. This variant is interpreted as pathogenic.

Ambry Genetics
Classification: Pathogenic for Inborn genetic diseases. Last evaluated: 2025-12-16. Review status: criteria provided, single submitter. Criteria: Ambry Variant Classification Scheme 2023. Collection method: clinical testing. Allele origin: germline.
Comment: The c.6014G>A (p.R2005Q) alteration is located in exon 20 (coding exon 19) of the NSD1 gene. This alteration results from a G to A substitution at nucleotide position 6014, causing the arginine (R) at amino acid position 2005 to be replaced by a glutamine (Q). This variant was not reported in population-based cohorts in the Genome Aggregation Database (gnomAD). This variant was reported in individual(s) with features consistent with Sotos syndrome; in at least one individual, it was determined to be de novo (Douglas, 2003; Waggoner, 2005; Choufani, 2015; Moirangthem, 2021; Brennan, 2022). This amino acid position is highly conserved in available vertebrate species. This missense alteration is located in a region that has a low rate of benign missense variation (Lek, 2016; Firth, 2009). Functional studies suggest reduced H3K36 histone methyltransferase activities in vitro; however, additional evidence is needed to confirm this finding (Qiao, 2011). This alteration is predicted to be deleterious by in silico analysis. Based on the available evidence, this alteration is classified as pathogenic.

GeneDx
Classification: Pathogenic. Last evaluated: 2023-10-04. Review status: criteria provided, single submitter. Criteria: GeneDx Variant Classification Process June 2021. Collection method: clinical testing. Allele origin: germline. Affected: yes.
Comment: Segregates with disease in affected individuals from a single family referred for genetic testing at GeneDx; Not observed at significant frequency in large population cohorts (gnomAD); Published functional studies demonstrate a damaging effect through reduction of H3K36 histone lysine methyltransferase activity (Qiao et al., 2011); In silico analysis supports that this missense variant has a deleterious effect on protein structure/function; This variant is associated with the following publications: (PMID: 12464997, 33942996, 21196496, 27834868, 16247291, 16010675)

Genome-Nilou Lab
Classification: Likely pathogenic for Sotos syndrome. Last evaluated: 2021-07-15. Review status: criteria provided, single submitter. Criteria: ACMG Guidelines, 2015. Collection method: clinical testing. Allele origin: germline. Affected: no.

Labcorp Genetics (formerly Invitae), Labcorp
Classification: Likely pathogenic for Beckwith-Wiedemann syndrome. Last evaluated: 2018-07-17. Review status: criteria provided, single submitter. Criteria: Invitae Variant Classification Sherloc (09022015). Collection method: clinical testing. Allele origin: germline.
Comment: This sequence change replaces arginine with glutamine at codon 2005 of the NSD1 protein (p.Arg2005Gln). The arginine residue is moderately conserved and there is a small physicochemical difference between arginine and glutamine. This variant is not present in population databases (ExAC no frequency). This variant has been observed to be de novo in an individual affected with Sotos syndrome (PMID: 12464997), and in another individual referred for genetic testing of Sotos syndrome (PMID:Â¬â€ 16247291). ClinVar contains an entry for this variant (Variation ID: 159395). Experimental studies have shown that this missense change has greatly reduced H3K36 histone methyltransferase activities in vitro (PMID: 21196496). The observation of one or more missense substitutions at this codon (p.Arg2005Gly) in affected individuals suggests that this may be a clinically significant residue (PMID: 26690673). In summary, the currently available evidence indicates that the variant is pathogenic, but additional data are needed to prove that conclusively. Therefore, this variant has been classified as Likely Pathogenic.

Genetic Services Laboratory, University of Chicago
Classification: Pathogenic for Sotos syndrome 1. Last evaluated: 2013-02-08. Review status: criteria provided, single submitter. Criteria: ACMG Guidelines, 2007. Collection method: clinical testing. Allele origin: germline. Inheritance: Autosomal dominant inheritance. Affected: yes.

Neuberg Centre For Genomic Medicine, NCGM
Classification: Pathogenic for Sotos syndrome. Review status: criteria provided, single submitter. Criteria: ACMG Guidelines, 2015. Collection method: clinical testing. Allele origin: germline. Inheritance: Autosomal dominant inheritance. Affected: yes.
Comment: The missense c.6014G>A p.Arg2005Gln variant in NSD1 gene has been reported in heterozygous state in individuals affected with Sotos syndrome Douglas J et al. 2003. Functional study found R2005Q reduced the activity of the H3K36 HKMT Qiao et al., 2011. The p.Arg2005Gln variant is novel not in any individuals in gnomAD Exomes and 1000 Genomes. This variant has been reported to the ClinVar database as Likely Pathogenic/ Pathogenic. The amino acid change p.Arg2005Gln in NSD1 is predicted as conserved by GERP++ and PhyloP across 100 vertebrates. The amino acid Arg at position 2005 is changed to a Gln changing protein sequence and it might alter its composition and physico-chemical properties. For these reasons, this variant has been classified as Pathogenic.

Literature cited by the submitters: PubMed 12464997 (cited by Ambry Genetics and Labcorp Genetics (formerly Invitae), Labcorp); PubMed 16247291 (cited by Ambry Genetics); PubMed 21196496 (cited by Ambry Genetics and Labcorp Genetics (formerly Invitae), Labcorp); PubMed 26690673 (cited by Ambry Genetics and Labcorp Genetics (formerly Invitae), Labcorp); PubMed 33942996 (cited by Ambry Genetics); PubMed 35094088 (cited by Ambry Genetics).